The following is an entry in ClinVar:

NM_005982.4(SIX1):c.830C>G (p.Ser277Cys)

Gene: SIX1 (SIX homeobox 1; minus strand). Cytogenetic location: 14q23.1.
Variant type: single nucleotide variant.
Coding change: c.830C>G on transcript NM_005982.4 (MANE Select); coding-DNA position 830, C replaced by G.
Protein change: p.Ser277Cys; replaces serine 277 with cysteine.
Molecular consequence: missense variant. On other transcripts: 3 prime UTR variant (1).
Genome position (GRCh38, 1-based): chr14:60,646,308, G>C on the plus strand (C>G on the coding strand, the complement: SIX1 is on the minus strand). VCF-style: chr14-60646308-G-C. GRCh37 (hg19) VCF-style: chr14-61113026-G-C.
Other names: c.*249C>G (NM_001425142.1); short protein forms S277C.
Identifiers: ClinVar variation 5019291 (VCV005019291.2).

ClinVar aggregate classification (germline): Uncertain significance (1 of 4 stars; one submission).

Conditions:
Branchiootic syndrome 3 (BOS3). Also called: BO SYNDROME 3. Identifiers: MedGen C1842124, MONDO:0012025, OMIM 608389.
Autosomal dominant nonsyndromic hearing loss 23. Identifiers: Orphanet 90635, MedGen C1854594, MONDO:0011519, OMIM 605192.

gnomAD v4.1: 3 of 1,613,434 alleles (0.00019%); highest among the groups gnomAD compares: Non-Finnish European, 0.00025%; no homozygotes.

Submission:

Juno Genomics, Hangzhou Juno Genomics, Inc
Classification: Uncertain significance for Branchiootic syndrome 3; Autosomal dominant nonsyndromic hearing loss 23. Review status: criteria provided, single submitter. Criteria: ACMG Guidelines, 2015. Collection method: clinical testing. Allele origin: germline.
Comment: Absent from controls (or at extremely low frequency if recessive) in Genome Aggregation Database.;Multiple lines of computational evidence support a deleterious effect on the gene or gene product.